The following is an entry in ClinVar:

ClinVar aggregate classification (germline): Pathogenic. Review status: criteria provided, multiple submitters, no conflicts (2 of 4 stars). 6 submissions from 6 submitters: Pathogenic (5). 1 of the submissions does not count toward it. Last evaluated 2026-01-16.

Conditions:
Dihydropyrimidine dehydrogenase deficiency (DPYDD). Also called: DPD DEFICIENCY; DPYD DEFICIENCY; Hereditary Thymine-Uraciluria. Identifiers: Orphanet 1675, MedGen C1959620, MONDO:0010130, OMIM 274270.

Submissions (6):

Variantyx, Inc.
Classification: Pathogenic for Dihydropyrimidine dehydrogenase deficiency. Last evaluated: 2026-01-16. Review status: criteria provided, single submitter. Criteria: Variantyx Assertion Criteria 2022. Collection method: clinical testing. Allele origin: germline. Inheritance: Autosomal recessive inheritance.
Comment: This is a frameshift variant in the DPYD gene (OMIM: 612779). Pathogenic variants in this gene have been associated with autosomal recessive dihydropyrimidine dehydrogenase deficiency. This variant introduces a premature termination codon in exon 4 out of 23 and is expected to result in loss of function, which is a known disease mechanism for DPYD in this disorder (PVS1). All three individuals showed no detectable DPYD enzymatic activity in patient-derived cells (PMID: 9254861). Additionally, this variant was identified in the homozygous state in an unrelated individual with severe psychomotor delay, seizures, hypotonia, and facial dysmorphism (PMID: 19296131) (PM3). This variant has a 0.0148% maximum allele frequency in non-founder control populations (PM2_Supporting). Based on the current evidence, this variant is classified as pathogenic for autosomal recessive dihydropyrimidine dehydrogenase deficiency. Of note, homozygous and heterozygous carriers of DPYD pathogenic variants are at increased risk of developing adverse reactions after the administration of 5-fluorouracil.

GeneDx
Classification: Pathogenic. Last evaluated: 2025-02-11. Review status: criteria provided, single submitter. Criteria: GeneDx Variant Classification Process June 2021. Collection method: clinical testing. Allele origin: germline. Affected: yes.
Comment: Frameshift variant predicted to result in protein truncation or nonsense mediated decay in a gene for which loss-of-function is a known mechanism of disease; This variant is associated with the following publications: (PMID: 34697415, 10071185, 9254861, 19296131, 31589614)

Genome-Nilou Lab
Classification: Pathogenic for Dihydropyrimidine dehydrogenase deficiency. Last evaluated: 2023-04-11. Review status: criteria provided, single submitter. Criteria: ACMG Guidelines, 2015. Collection method: clinical testing. Allele origin: germline. Affected: no.

Revvity Omics, Revvity
Classification: Pathogenic for Dihydropyrimidine dehydrogenase deficiency. Last evaluated: 2019-08-01. Review status: criteria provided, single submitter. Criteria: ACMG Guidelines, 2015. Collection method: clinical testing. Allele origin: germline.

Women's Health and Genetics/Laboratory Corporation of America, LabCorp
Classification: Pathogenic for Dihydropyrimidine dehydrogenase deficiency. Last evaluated: 2017-04-06. Review status: criteria provided, single submitter. Criteria: LabCorp Variant Classification Summary - May 2015. Collection method: clinical testing. Allele origin: germline.
Comment: Variant summary: The DPYD c.299_302delTCAT (p.Phe100Serfs) variant results in a premature termination codon, predicted to cause a truncated or absent DPYD protein due to nonsense mediated decay, which are commonly known mechanisms for disease. This variant was found in 11/121318 control chromosomes at a frequency of 0.0000907, which does not exceed the estimated maximal expected allele frequency of a pathogenic DPYD variant (0.0025). Multiple publications have cited the variant in homozygous and compound heterozygous affected individuals. The brother, who was also homozygous for the variant was indicated to be normal, although the age of the brother was not provided. All three individuals were found to have no detectable levels of DPD activity. The variant of interest has not, to our knowledge, been cited and classified by other clinical diagnostic laboratories or reputable databases (other than HGMD). Therefore, the variant of interest has been classified as "pathogenic."

OMIM
Classification: Pathogenic for DIHYDROPYRIMIDINE DEHYDROGENASE DEFICIENCY. Last evaluated: 2009-06-01. Review status: no assertion criteria provided. Collection method: literature only. Allele origin: germline. Not counted in ClinVar's aggregate classification.

Literature cited by the submitters: PubMed 9254861 (cited by 3 submitters); PubMed 19296131 (cited by 3 submitters).

NM_000110.4(DPYD):c.299_302del (p.Phe100fs)

Gene: DPYD (dihydropyrimidine dehydrogenase; minus strand). Cytogenetic location: 1p21.3.
Variant type: Microsatellite.
Coding change: c.299_302del on transcript NM_000110.4 (MANE Select); coding-DNA positions 299 to 302, 4 bases deleted (TCAT; older notation c.299_302delTCAT).
Protein change: p.Phe100fs; shifts the reading frame from phenylalanine 100.
Molecular consequence: frameshift variant.
Genome position (GRCh38, 1-based): chr1:97,740,411-97,740,414, ATGA deleted on the plus strand (TCAT on the coding strand, the reverse complement: DPYD is on the minus strand); deleting any 4 consecutive bases within chr1:97,740,411-97,740,418 gives the same sequence; the c. name uses the placement nearest the transcript's 3' end. VCF-style (leftmost placement, unchanged base first): chr1-97740410-GATGA-G. GRCh37 (hg19) VCF-style: chr1-98205966-GATGA-G.
Other names: c.299_302del, p.Phe100fs (NM_001160301.1); c.299_302delTCAT (NM_000110.3); short protein forms F100fs.
Identifiers: ClinVar variation 495550 (VCV000495550.15), dbSNP rs72549309, ClinGen allele CA963735.
Genomic context (GRCh38, chr1:97,740,410, plus strand): 5'-AAATACTGTTATTTTCATTTGCAGAGTTAAATCTGAATTTACCTTGTTTGCAATACTTGT[GATGA>G]ATGATTTAATATCAAGATTAGTTGGACAGCTCTTCTGACACGGGGCATCTGCACATTTCA-3'